The following is an entry in ClinVar:

NM_001199107.2(TBC1D24):c.631G>A (p.Asp211Asn)

Gene: TBC1D24 (TBC1 domain family member 24; plus strand). Cytogenetic location: 16p13.3.
Variant type: single nucleotide variant.
Coding change: c.631G>A on transcript NM_001199107.2 (MANE Select); coding-DNA position 631, G replaced by A.
Protein change: p.Asp211Asn; replaces aspartic acid 211 with asparagine.
Molecular consequence: missense variant.
Genome position (GRCh38, 1-based): chr16:2,496,779, G>A. VCF-style: chr16-2496779-G-A. GRCh37 (hg19) VCF-style: chr16-2546780-G-A.
Other names: c.631G>A, p.Asp211Asn (NM_020705.3); short protein forms D211N.
Identifiers: ClinVar variation 2041325 (VCV002041325.4), dbSNP rs2065745564, ClinGen allele CA394376785.

ClinVar aggregate classification (germline): Uncertain significance (1 of 4 stars; one submission).

Conditions:
Developmental and epileptic encephalopathy, 1 (DEE1). Also called: X-linked infantile spasms; West's syndrome; Tonic spasms with clustering, arrest of psychomotor development and hypsarrhythmia on EEG; X-Linked Infantile Spasm Syndrome; OHTAHARA SYNDROME, X-LINKED; INFANTILE SPASM SYNDROME, X-LINKED 1. Identifiers: MedGen C3463992, MONDO:0010632, OMIM 308350. Disease mechanism: loss of function.
Autosomal dominant nonsyndromic hearing loss 65. Also called: Deafness, autosomal dominant 65; TBC1D24-Related Autosomal Dominant Nonsyndromic Hearing Loss (DFNA). Identifiers: Orphanet 90635, MedGen C3892048, MONDO:0014470, OMIM 616044.

Allele frequency attached by ClinVar (database versions not stated): gnomAD exomes below 0.00001; TOPMed below 0.00001.
gnomAD v4.1: 1 of 1,613,992 alleles (0.000062%); highest among the groups gnomAD compares: Non-Finnish European, 0.000085%; no homozygotes.

Submission:

Labcorp Genetics (formerly Invitae), Labcorp
Classification: Uncertain significance for Developmental and epileptic encephalopathy, 1; Autosomal dominant nonsyndromic hearing loss 65. Last evaluated: 2022-08-19. Review status: criteria provided, single submitter. Criteria: Invitae Variant Classification Sherloc (09022015). Collection method: clinical testing. Allele origin: germline.
Comment: This variant is not present in population databases (gnomAD no frequency). This sequence change replaces aspartic acid, which is acidic and polar, with asparagine, which is neutral and polar, at codon 211 of the TBC1D24 protein (p.Asp211Asn). This variant has not been reported in the literature in individuals affected with TBC1D24-related conditions. In summary, the available evidence is currently insufficient to determine the role of this variant in disease. Therefore, it has been classified as a Variant of Uncertain Significance. Advanced modeling of protein sequence and biophysical properties (such as structural, functional, and spatial information, amino acid conservation, physicochemical variation, residue mobility, and thermodynamic stability) performed at Invitae indicates that this missense variant is expected to disrupt TBC1D24 protein function.